The following is an entry in ClinVar:

NM_000929.3(PLA2G5):c.47C>T (p.Pro16Leu)

Gene: PLA2G5 (phospholipase A2 group V; plus strand). Cytogenetic location: 1p36.13.
Variant type: single nucleotide variant.
Coding change: c.47C>T on transcript NM_000929.3 (MANE Select); coding-DNA position 47, C replaced by T.
Protein change: p.Pro16Leu; replaces proline 16 with leucine.
Molecular consequence: missense variant.
Genome position (GRCh38, 1-based): chr1:20,086,089, C>T. VCF-style: chr1-20086089-C-T. GRCh37 (hg19) VCF-style: chr1-20412582-C-T.
Other names: c.47C>T (NM_000929.2); short protein forms P16L.
Identifiers: ClinVar variation 2812524 (VCV002812524.4), dbSNP rs2523538873, ClinGen allele CA338819362.

ClinVar aggregate classification (germline): Uncertain significance. Review status: criteria provided, multiple submitters, no conflicts (2 of 4 stars). 2 submissions from 2 submitters: Uncertain significance (2). Last evaluated 2024-11-24.

gnomAD v4.1: 1 of 1,614,054 alleles (0.000062%); highest among the groups gnomAD compares: Non-Finnish European, 0.000085%; no homozygotes.

Submissions (2):

Ambry Genetics
Classification: Uncertain significance. Last evaluated: 2024-11-24. Review status: criteria provided, single submitter. Criteria: Ambry Variant Classification Scheme 2023. Collection method: clinical testing. Allele origin: germline.

Labcorp Genetics (formerly Invitae), Labcorp
Classification: Uncertain significance. Last evaluated: 2022-11-07. Review status: criteria provided, single submitter. Criteria: Invitae Variant Classification Sherloc (09022015). Collection method: clinical testing. Allele origin: germline.
Comment: In summary, the available evidence is currently insufficient to determine the role of this variant in disease. Therefore, it has been classified as a Variant of Uncertain Significance. This sequence change replaces proline, which is neutral and non-polar, with leucine, which is neutral and non-polar, at codon 16 of the PLA2G5 protein (p.Pro16Leu). This variant is not present in population databases (gnomAD no frequency). This variant has not been reported in the literature in individuals affected with PLA2G5-related conditions. Algorithms developed to predict the effect of missense changes on protein structure and function (SIFT, PolyPhen-2, Align-GVGD) all suggest that this variant is likely to be tolerated.